The following is an entry in ClinVar:

ClinVar aggregate classification (germline): Uncertain significance (1 of 4 stars; one submission).

Submission:

GeneDx
Classification: Uncertain significance. Last evaluated: 2024-06-12. Review status: criteria provided, single submitter. Criteria: GeneDx Variant Classification Process June 2021. Collection method: clinical testing. Allele origin: germline. Affected: yes.
Comment: Not observed at significant frequency in large population cohorts (gnomAD); Frameshift variant predicted to result in protein truncation or nonsense mediated decay in a gene or region of a gene for which loss of function is not a well-established mechanism of disease; Has not been previously published as pathogenic or benign to our knowledge; Variants in candidate genes are classified as variants of uncertain significance in accordance with ACMG guidelines (PMID: 25741868)

NM_014370.4(SRPK3):c.181_188dup (p.Lys63fs)

Gene: SRPK3 (SRSF protein kinase 3; plus strand). Cytogenetic location: Xq28.
Variant type: Duplication.
Coding change: c.181_188dup on transcript NM_014370.4 (MANE Select); coding-DNA positions 181 to 188, 8 bases duplicated (TACTGCAA; older notation c.181_188dupTACTGCAA).
Protein change: p.Lys63fs; shifts the reading frame from lysine 63.
Molecular consequence: frameshift variant.
Genome position (GRCh38, 1-based): chrX:153,781,337-153,781,344, TACTGCAA duplicated. VCF-style (leftmost placement, unchanged base first): chrX-153781336-C-CTACTGCAA. GRCh37 (hg19) VCF-style: chrX-153046791-C-CTACTGCAA.
Other names: c.181_188dup, p.Lys63fs (NM_001170760.2, NM_001170761.2); short protein forms K63fs.
Identifiers: ClinVar variation 3600664 (VCV003600664.1).
Genomic context (GRCh38, chrX:153,781,336, plus strand): 5'-GCCTCAGATGCTGCAGGGCCTTCTGGGCTCCGACGACGAGGAACAGGAAGACCCCAAAGA[C>CTACTGCAA]TACTGCAAGGGTGAGACTTGGCCTTGGGGACATGCGGCCTCACGGCCACTGCAGGGACCC-3'